The following is an entry in ClinVar:

NM_000158.4(GBE1):c.929A>G (p.Tyr310Cys)

Gene: GBE1 (1,4-alpha-glucan branching enzyme 1; minus strand). Cytogenetic location: 3p12.2.
Variant type: single nucleotide variant.
Coding change: c.929A>G on transcript NM_000158.4 (MANE Select); coding-DNA position 929, A replaced by G.
Protein change: p.Tyr310Cys; replaces tyrosine 310 with cysteine.
Molecular consequence: missense variant.
Genome position (GRCh38, 1-based): chr3:81,642,844, T>C on the plus strand (A>G on the coding strand, the complement: GBE1 is on the minus strand). VCF-style: chr3-81642844-T-C. GRCh37 (hg19) VCF-style: chr3-81691995-T-C.
Other names: short protein forms Y310C.
Identifiers: ClinVar variation 3896873 (VCV003896873.1).

ClinVar aggregate classification (germline): Uncertain significance (1 of 4 stars; one submission).

Conditions:
Adult polyglucosan body disease (APBN). Also called: GBE1-Adult Polyglucosan Body Disease; POLYGLUCOSAN BODY DISEASE, ADULT FORM. Identifiers: Orphanet 206583, MedGen C1849722, MONDO:0009897, OMIM 263570.

Submission:

Kariminejad - Najmabadi Pathology & Genetics Center
Classification: Uncertain significance for Adult polyglucosan body disease. Last evaluated: 2024-05-07. Review status: criteria provided, single submitter. Criteria: ACMG Guidelines, 2015. Collection method: clinical testing. Allele origin: germline. Inheritance: Autosomal recessive inheritance. Affected: yes.
Comment: PM2,PP3,PM3